The following is an entry in ClinVar:

NM_032861.4(SERAC1):c.1403+1G>C

Gene: SERAC1 (serine active site containing 1; minus strand). Cytogenetic location: 6q25.3.
Variant type: single nucleotide variant.
Coding change: c.1403+1G>C on transcript NM_032861.4 (MANE Select); the canonical splice donor site of the intron after coding-DNA position 1403, G replaced by C.
Molecular consequence: splice donor variant.
Genome position (GRCh38, 1-based): chr6:158,117,726, C>G on the plus strand (G>C on the coding strand, the complement: SERAC1 is on the minus strand). VCF-style: chr6-158117726-C-G. GRCh37 (hg19) VCF-style: chr6-158538758-C-G.
Other names: IVS13DS, G-C, +1.
Identifiers: ClinVar variation 430610 (VCV000430610.7), dbSNP rs1131690799, ClinGen allele CA366256718.
Genomic context (GRCh38, chr6:158,117,726, plus strand): 5'-GGACCTAAACTTGCGGCCTGAATTCTTCCCTGTCCTCCTGGTCTAAAGTCGCCTCTGTTA[C>G]CTTTCCATAGGGCACCTTGCTCTCCAGTCGCTGAGGCTGGTGTCATACTCCACAGATATA-3'

ClinVar aggregate classification (germline): Pathogenic. Review status: criteria provided, multiple submitters, no conflicts (2 of 4 stars). 5 submissions from 5 submitters: Pathogenic (2). 3 of the submissions do not count toward it. Last evaluated 2026-06-30.

Conditions:
Possible mitochondrial disorder - nuclear genes.
3-methylglutaconic aciduria with deafness, encephalopathy, and Leigh-like syndrome (MEGDEL). Also called: SERAC1 Deficiency; MEGDEL syndrome; 3-METHYLGLUTACONIC ACIDURIA, TYPE VI. Identifiers: Orphanet 352328, MedGen C4040739, MONDO:0013875, OMIM 614739.

Allele frequency attached by ClinVar (database versions not stated): gnomAD 0.00001 and below 0.00001; gnomAD exomes 0.00001.
gnomAD v4.1: 9 of 1,613,940 alleles (0.00056%); highest among the groups gnomAD compares: South Asian, 0.0099%; no homozygotes.

Submissions (5):

Genetics Laboratory, Great Ormond Street Hospital NHS Foundation Trust, North Thames Genomic Laboratory Hub
Classification: Pathogenic for Possible mitochondrial disorder - nuclear genes. Last evaluated: 2026-06-30. Review status: criteria provided, single submitter. Criteria: ACGS Best Practice Guidelines for Variant Classification in Rare Disease 2024 v1.2. Collection method: clinical testing. Allele origin: germline. Affected: yes.
Comment: PM2_moderate, PVS1_very-strong, PM3_moderate

Kasturba Medical College, Manipal, Kasturba Medical College, Manipal, Manipal Academy of Higher Education, Manipal, India
Classification: Pathogenic for 3-methylglutaconic aciduria with deafness, encephalopathy, and Leigh-like syndrome. Review status: criteria provided, single submitter. Criteria: ACMG Guidelines, 2015. Collection method: clinical testing. Allele origin: biparental. Affected: yes. Observed: 1 homozygote.

Foundation for Research in Genetics and Endocrinology, FRIGE's Institute of Human Genetics
Classification: Pathogenic for 3-methylglutaconic aciduria with deafness, encephalopathy, and Leigh-like syndrome. Last evaluated: 2017-01-31. Review status: no assertion criteria provided. Collection method: clinical testing. Allele origin: germline. Inheritance: Autosomal recessive inheritance. Affected: yes. Observed: 1 variant allele, 1 homozygote. Not counted in ClinVar's aggregate classification.
Comment: The observed variant is not reported in 1000 genomes and ExAC databases and is likely to be pathogenic by online software like Mutation taster.

Yale Center for Mendelian Genomics, Yale University
Classification: Pathogenic for 3-methylglutaconic aciduria with deafness, encephalopathy, and Leigh-like syndrome. Last evaluated: 2014-07-10. Review status: no assertion criteria provided. Collection method: literature only. Allele origin: germline. Affected: yes. Observed: 1 homozygote. Not counted in ClinVar's aggregate classification.

OMIM
Classification: Pathogenic for 3-METHYLGLUTACONIC ACIDURIA WITH DEAFNESS, ENCEPHALOPATHY, AND LEIGH-LIKE SYNDROME. Last evaluated: 2006-05-01. Review status: no assertion criteria provided. Collection method: literature only. Allele origin: germline. Not counted in ClinVar's aggregate classification.

Literature cited by the submitters: PubMed 25016221 (cited by Yale Center for Mendelian Genomics, Yale University); Wortmann, S., Rodenburg, R. J. T., Huizing, M., Loupatty, F. J., de Koning, T., Kluijtmans, L. A. J., Engelke, U., Wevers, R., Smeitink, J. A. M., Morava, E. Association of 3-methylglutaconic aciduria with sensori-neural deafness, encephalopathy, and Leigh-like syndrome (MEGDEL association) in four patients with a disorder of the oxidative phosphorylation. Molec. Genet. Metab. 88: 47-52, 2006. (cited by OMIM).